The following is an entry in ClinVar:

ClinVar aggregate classification (germline): Pathogenic. Review status: criteria provided, multiple submitters, no conflicts (2 of 4 stars). 3 submissions from 3 submitters: Pathogenic (3). Last evaluated 2024-06-17.

Conditions:
Cohen syndrome (COH1). Also called: PEPPER SYNDROME; Cutis verticis gyrata, retinitis pigmentosa, and sensorineural deafness. Identifiers: Orphanet 193, MedGen C0265223, MONDO:0008999, OMIM 216550.
VPS13B-related disorder. Also called: VPS13B-related condition.

Submissions (3):

Fulgent Genetics
Classification: Pathogenic for Cohen syndrome. Last evaluated: 2024-06-17. Review status: criteria provided, single submitter. Criteria: ACMG Guidelines, 2015. Collection method: clinical testing. Allele origin: germline.

Labcorp Genetics (formerly Invitae), Labcorp
Classification: Pathogenic for Cohen syndrome. Last evaluated: 2024-02-17. Review status: criteria provided, single submitter. Criteria: Invitae Variant Classification Sherloc (09022015). Collection method: clinical testing. Allele origin: germline.
Comment: This sequence change creates a premature translational stop signal (p.Ser1873Glufs*9) in the VPS13B gene. It is expected to result in an absent or disrupted protein product. Loss-of-function variants in VPS13B are known to be pathogenic (PMID: 15141358, 16648375, 20461111). This variant is not present in population databases (gnomAD no frequency). This premature translational stop signal has been observed in individual(s) with Cohen syndrome (PMID: 15141358). This variant is also known as 5613_5614insT. ClinVar contains an entry for this variant (Variation ID: 848471). For these reasons, this variant has been classified as Pathogenic.

Blueprint Genetics
Classification: Pathogenic for VPS13B-related disorders. Last evaluated: 2022-10-18. Review status: criteria provided, single submitter. Criteria: ACMG Guidelines, 2015. Collection method: clinical testing. Allele origin: germline. Affected: yes. Observed: 1 variant allele.

Literature cited by the submitters: PubMed 15141358 (cited by Labcorp Genetics (formerly Invitae), Labcorp); PubMed 16648375 (cited by Labcorp Genetics (formerly Invitae), Labcorp); PubMed 20461111 (cited by Labcorp Genetics (formerly Invitae), Labcorp).

NM_152564.5(VPS13B):c.5540dup (p.Ser1848fs)

Gene: VPS13B (vacuolar protein sorting 13 homolog B; plus strand). Cytogenetic location: 8q22.2.
Variant type: Duplication.
Coding change: c.5540dup on transcript NM_152564.5 (MANE Select); coding-DNA position 5540, one base duplicated (A; older notation c.5540dupA).
Protein change: p.Ser1848fs; shifts the reading frame from serine 1848.
Molecular consequence: frameshift variant.
Genome position (GRCh38, 1-based): chr8:99,642,130, A duplicated; the last of 2 consecutive A bases (chr8:99,642,129-99,642,130); duplicating either gives the same sequence. VCF-style (leftmost placement, unchanged base first): chr8-99642128-C-CA. GRCh37 (hg19) VCF-style: chr8-100654356-C-CA.
Other names: c.5615dup, p.Ser1873fs (NM_017890.5); short protein forms S1848fs, S1873fs.
Identifiers: ClinVar variation 848471 (VCV000848471.11), dbSNP rs386834095, ClinGen allele CA857569124.